The following is an entry in ClinVar:

ClinVar aggregate classification (germline): Uncertain significance (1 of 4 stars; one submission).

Conditions:
Pyridoxal phosphate-responsive seizures (PNPOD). Also called: Pyridoxine-5'-phosphate oxidase deficiency; Pyridoxal 5'-Phosphate (PLP)-Dependent Epilepsy; EPILEPTIC ENCEPHALOPATHY, NEONATAL, PNPO-RELATED; SEIZURES, PYRIDOXINE-RESISTANT, PLP-SENSITIVE; Pyridoxamine 5-Prime-Phosphate Oxidase Deficiency. Identifiers: Orphanet 79096, MedGen C1864723, MONDO:0012407, OMIM 610090. Disease mechanism: loss of function.

Allele frequency attached by ClinVar (database versions not stated): gnomAD exomes below 0.00001; TOPMed below 0.00001.

Submission:

Labcorp Genetics (formerly Invitae), Labcorp
Classification: Uncertain significance for Pyridoxal phosphate-responsive seizures. Last evaluated: 2022-02-17. Review status: criteria provided, single submitter. Criteria: Invitae Variant Classification Sherloc (09022015). Collection method: clinical testing. Allele origin: germline.
Comment: In summary, the available evidence is currently insufficient to determine the role of this variant in disease. Therefore, it has been classified as a Variant of Uncertain Significance. Algorithms developed to predict the effect of missense changes on protein structure and function are either unavailable or do not agree on the potential impact of this missense change (SIFT: "Deleterious"; PolyPhen-2: "Possibly Damaging"; Align-GVGD: "Class C0"). This variant has not been reported in the literature in individuals affected with PNPO-related conditions. This variant is not present in population databases (gnomAD no frequency). This sequence change replaces aspartic acid, which is acidic and polar, with tyrosine, which is neutral and polar, at codon 240 of the PNPO protein (p.Asp240Tyr).

NM_018129.4(PNPO):c.718G>T (p.Asp240Tyr)

Gene: PNPO (pyridoxamine 5'-phosphate oxidase; plus strand). Cytogenetic location: 17q21.32.
Variant type: single nucleotide variant.
Coding change: c.718G>T on transcript NM_018129.4 (MANE Select); coding-DNA position 718, G replaced by T.
Protein change: p.Asp240Tyr; replaces aspartic acid 240 with tyrosine.
Molecular consequence: missense variant.
Genome position (GRCh38, 1-based): chr17:47,946,714, G>T. VCF-style: chr17-47946714-G-T. GRCh37 (hg19) VCF-style: chr17-46024080-G-T.
Other names: short protein forms D240Y.
Identifiers: ClinVar variation 1396210 (VCV001396210.6), dbSNP rs1178667430, ClinGen allele CA400063009.